The following is an entry in ClinVar:

NM_002474.3(MYH11):c.4210C>G (p.Leu1404Val)

Genes: NDE1 (nudE neurodevelopment protein 1; plus strand), MYH11 (myosin heavy chain 11; minus strand). Cytogenetic location: 16p13.11.
Variant type: single nucleotide variant.
Coding change: c.4210C>G on transcript NM_002474.3 (MANE Select); coding-DNA position 4210, C replaced by G.
Protein change: p.Leu1404Val; replaces leucine 1404 with valine.
Molecular consequence: missense variant. On other transcripts: 3 prime UTR variant (2).
Genome position (GRCh38, 1-based): chr16:15,724,316, G>C on the plus strand (C>G on the coding strand, the complement: MYH11 is on the minus strand). VCF-style: chr16-15724316-G-C. GRCh37 (hg19) VCF-style: chr16-15818173-G-C.
Other names: c.4231C>G, p.Leu1411Val (NM_001040113.2, NM_001040114.2); c.4210C>G, p.Leu1404Val (NM_022844.3); c.*65G>C (NM_001143979.2, NM_017668.3); short protein forms L1411V, L1404V.
Identifiers: ClinVar variation 2773813 (VCV002773813.2), dbSNP rs775857907, ClinGen allele CA7921734.
Genomic context (GRCh38, chr16:15,724,316, plus strand): 5'-TGTTCTTGGTCTTTTCCAGTTTATCATAAGCGGCCGCCTTCTCCTCGTACTGCTGGGTGA[G>C]GTTCTCGATCTCCTTCTGGAACCTCTTCTTCCCCTCTTCCAGAGCTTCCACGGTGCTGGC-3'
Protein context (NP_002465.1, residues 1394-1414): KKRFQKEIEN[Leu1404Val]TQQYEEKAAA

ClinVar aggregate classification (germline): Uncertain significance (1 of 4 stars; one submission).

Conditions:
Familial thoracic aortic aneurysm and aortic dissection (TAAD). Also called: Thoracic aortic aneurysms and dissections. Identifiers: Orphanet 91387, MedGen C4707243, MONDO:0019625.

Allele frequency attached by ClinVar (database versions not stated): ExAC 0.00002.
gnomAD v4.1: 8 of 1,614,152 alleles (0.0005%); highest among the groups gnomAD compares: South Asian, 0.0066%; no homozygotes.

Submission:

Color Diagnostics, LLC DBA Color Health
Classification: Uncertain significance for Familial thoracic aortic aneurysm and aortic dissection. Last evaluated: 2024-03-07. Review status: criteria provided, single submitter. Criteria: ACMG Guidelines, 2015. Collection method: clinical testing. Allele origin: germline.
Comment: This missense variant replaces leucine with valine at codon 1411 of the MYH11 protein. Computational prediction suggests that this variant may not impact protein structure and function (internally defined REVEL score threshold <= 0.5, PMID: 27666373). To our knowledge, functional studies have not been reported for this variant. This variant has not been reported in individuals affected with cardiovascular disorders in the literature. This variant has been identified in 4/251466 chromosomes in the general population by the Genome Aggregation Database (gnomAD). The available evidence is insufficient to determine the role of this variant in disease conclusively. Therefore, this variant is classified as a Variant of Uncertain Significance.